The following is an entry in ClinVar:

NM_001365951.3(KIF1B):c.4679C>G (p.Pro1560Arg)

Gene: KIF1B (kinesin family member 1B; plus strand). Cytogenetic location: 1p36.22.
Variant type: single nucleotide variant.
Coding change: c.4679C>G on transcript NM_001365951.3 (MANE Select); coding-DNA position 4679, C replaced by G.
Protein change: p.Pro1560Arg; replaces proline 1560 with arginine.
Molecular consequence: missense variant.
Genome position (GRCh38, 1-based): chr1:10,365,575, C>G. VCF-style: chr1-10365575-C-G. GRCh37 (hg19) VCF-style: chr1-10425633-C-G.
Other names: c.4679C>G, p.Pro1560Arg (NM_001365952.1); c.4541C>G, p.Pro1514Arg (NM_015074.3); short protein forms P1560R, P1514R.
Identifiers: ClinVar variation 4043074 (VCV004043074.1).

ClinVar aggregate classification (germline): Uncertain significance (1 of 4 stars; one submission).

Submission:

Ambry Genetics
Classification: Uncertain significance. Last evaluated: 2025-03-20. Review status: criteria provided, single submitter. Criteria: Ambry Variant Classification Scheme 2023. Collection method: clinical testing. Allele origin: germline.
Comment: The p.P1514R variant (also known as c.4541C>G), located in coding exon 40 of the KIF1B gene, results from a C to G substitution at nucleotide position 4541. The proline at codon 1514 is replaced by arginine, an amino acid with dissimilar properties. This amino acid position is conserved. In addition, the in silico prediction for this alteration is inconclusive. Based on the available evidence, the clinical significance of this variant remains unclear.